The following is an entry in ClinVar:

ClinVar aggregate classification (germline): Uncertain significance (1 of 4 stars; one submission).

gnomAD v4.1: 1 of 1,613,894 alleles (0.000062%); highest among the groups gnomAD compares: Non-Finnish European, 0.000085%; no homozygotes.

Submission:

Labcorp Genetics (formerly Invitae), Labcorp
Classification: Uncertain significance. Last evaluated: 2025-05-17. Review status: criteria provided, single submitter. Criteria: Invitae Variant Classification Sherloc (09022015). Collection method: clinical testing. Allele origin: germline.
Comment: This sequence change falls in intron 3 of the CA4 gene. It does not directly change the encoded amino acid sequence of the CA4 protein. It affects a nucleotide within the consensus splice site. This variant is not present in population databases (gnomAD no frequency). This variant has not been reported in the literature in individuals affected with CA4-related conditions. Variants that disrupt the consensus splice site are a relatively common cause of aberrant splicing (PMID: 17576681, 9536098). Algorithms developed to predict the effect of sequence changes on RNA splicing suggest that this variant is not likely to affect RNA splicing. In summary, the available evidence is currently insufficient to determine the role of this variant in disease. Therefore, it has been classified as a Variant of Uncertain Significance.

Literature cited by the submitters: PubMed 17576681; PubMed 9536098.

NM_000717.5(CA4):c.268+3G>A

Gene: CA4 (carbonic anhydrase 4; plus strand). Cytogenetic location: 17q23.1.
Variant type: single nucleotide variant.
Coding change: c.268+3G>A on transcript NM_000717.5 (MANE Select); 3 bases into the intron after coding-DNA position 268, G replaced by A.
Molecular consequence: intron variant.
Genome position (GRCh38, 1-based): chr17:60,156,718, G>A. VCF-style: chr17-60156718-G-A. GRCh37 (hg19) VCF-style: chr17-58234079-G-A.
Identifiers: ClinVar variation 4804231 (VCV004804231.1).
Genomic context (GRCh38, chr17:60,156,718, plus strand): 5'-TTCTTCTCTGGCTACGATAAGAAGCAAACGTGGACTGTCCAAAATAACGGGCACTCAGGT[G>A]GGCTGGATGGAGGCCCCAGGCAGGCCTGGGCACCCGAGTTCCCCAAGGACTGAGAGGATG-3'